The following is an entry in ClinVar:

ClinVar aggregate classification (germline): Conflicting classifications of pathogenicity. Review status: criteria provided, conflicting classifications (1 of 4 stars). 5 submissions from 5 submitters: Uncertain significance (1); Likely benign (4). Last evaluated 2024-05-19.

Conditions:
Macrothrombocytopenia and granulocyte inclusions with or without nephritis or sensorineural hearing loss (MATINS). Also called: BLEEDING DISORDER, PLATELET-TYPE, 6; DOHLE LEUKOCYTE INCLUSIONS WITH GIANT PLATELETS; SEBASTIAN PLATELET SYNDROME; MACROTHROMBOCYTOPENIA WITH DISPERSED LEUKOCYTIC INCLUSIONS; MACROTHROMBOCYTOPENIA, NEPHRITIS, AND DEAFNESS; MACROTHROMBOCYTOPENIA, NEPHRITIS, DEAFNESS, AND LEUKOCYTE INCLUSIONS. Identifiers: Orphanet 182050, MedGen C5200934, MONDO:0015912, OMIM 155100.
Autosomal dominant nonsyndromic hearing loss 17. Also called: Autosomal dominant nonsyndromic deafness 17; Deafness, autosomal dominant 17. Identifiers: Orphanet 90635, MedGen C1863659, MONDO:0011350, OMIM 603622.

Allele frequency attached by ClinVar (database versions not stated): gnomAD exomes 0.00003; TOPMed 0.00005; gnomAD 0.00006 and 0.00007; ExAC 0.00003.
gnomAD v4.1: 49 of 1,611,706 alleles (0.003%); highest among the groups gnomAD compares: Non-Finnish European, 0.0039%; no homozygotes.

Submissions (5):

GeneDx
Classification: Uncertain significance. Last evaluated: 2024-05-19. Review status: criteria provided, single submitter. Criteria: GeneDx Variant Classification Process June 2021. Collection method: clinical testing. Allele origin: germline. Affected: yes.
Comment: In silico analysis indicates that this missense variant does not alter protein structure/function; Has not been previously published as pathogenic or benign to our knowledge

Fulgent Genetics
Classification: Likely benign for Macrothrombocytopenia and granulocyte inclusions with or without nephritis or sensorineural hearing loss; Autosomal dominant nonsyndromic hearing loss 17. Last evaluated: 2024-03-15. Review status: criteria provided, single submitter. Criteria: ACMG Guidelines, 2015. Collection method: clinical testing. Allele origin: germline.

Labcorp Genetics (formerly Invitae), Labcorp
Classification: Likely benign. Last evaluated: 2023-10-05. Review status: criteria provided, single submitter. Criteria: Invitae Variant Classification Sherloc (09022015). Collection method: clinical testing. Allele origin: germline.

Blueprint Genetics
Classification: Likely benign. Last evaluated: 2023-05-26. Review status: criteria provided, single submitter. Criteria: ACMG Guidelines, 2015. Collection method: clinical testing. Allele origin: germline.

Laboratory for Molecular Medicine, Mass General Brigham Personalized Medicine
Classification: Likely benign. Last evaluated: 2016-07-01. Review status: criteria provided, single submitter. Criteria: LMM Criteria. Collection method: clinical testing. Allele origin: germline. Observed: 1 variant allele.
Comment: p.Thr907Ala in exon 22 of MYH9: This variant is not expected to have clinical si gnificance because the threonine (Thr) at position 907 is not conserved in evolu tionary distant species, with over 10 species (reptiles, amphibians, fish) havin g an alanine (Ala) at this position. Additional computational prediction tools suggest that this variant may not impact the protein. This variant has been iden tified in 4/66268 European chromosomes by the Exome Aggregation Consortium (ExAC; dbSNP rs754354210). In summary, these data ind icate that this variant is likely benign.

NM_002473.6(MYH9):c.2719A>G (p.Thr907Ala)

Genes: MYH9 (myosin heavy chain 9; minus strand), LOC126863137 (CDK7 strongly-dependent group 2 enhancer GRCh37_chr22:36696002-36697201; plus strand). Cytogenetic location: 22q12.3.
Variant type: single nucleotide variant.
Coding change: c.2719A>G on transcript NM_002473.6 (MANE Select); coding-DNA position 2719, A replaced by G.
Protein change: p.Thr907Ala; replaces threonine 907 with alanine.
Molecular consequence: missense variant.
Genome position (GRCh38, 1-based): chr22:36,300,970, T>C on the plus strand (A>G on the coding strand, the complement: MYH9 is on the minus strand). VCF-style: chr22-36300970-T-C. GRCh37 (hg19) VCF-style: chr22-36697016-T-C.
Other names: short protein forms T907A.
Identifiers: ClinVar variation 505110 (VCV000505110.12), dbSNP rs754354210, ClinGen allele CA10209884.